The following is an entry in ClinVar:

NM_170606.3(KMT2C):c.11225G>C (p.Ser3742Thr)

Gene: KMT2C (lysine methyltransferase 2C; minus strand). Cytogenetic location: 7q36.1.
Variant type: single nucleotide variant.
Coding change: c.11225G>C on transcript NM_170606.3 (MANE Select); coding-DNA position 11225, G replaced by C.
Protein change: p.Ser3742Thr; replaces serine 3742 with threonine.
Molecular consequence: missense variant.
Genome position (GRCh38, 1-based): chr7:152,162,352, C>G on the plus strand (G>C on the coding strand, the complement: KMT2C is on the minus strand). VCF-style: chr7-152162352-C-G. GRCh37 (hg19) VCF-style: chr7-151859437-C-G.
Other names: c.11225G>C (NM_170606.2); short protein forms S3742T.
Identifiers: ClinVar variation 2960935 (VCV002960935.6), dbSNP rs763095057, ClinGen allele CA4579145.

ClinVar aggregate classification (germline): Likely benign. Review status: criteria provided, multiple submitters, no conflicts (2 of 4 stars). 3 submissions from 3 submitters: Likely benign (2). 1 of the submissions does not count toward it. Last evaluated 2025-04-08.

Conditions:
Inborn genetic diseases. Identifiers: MedGen C0950123, MeSH D030342.
KMT2C-related disorder. Also called: KMT2C-related condition; KMT2C-related disorders.

Allele frequency attached by ClinVar (database versions not stated): gnomAD exomes 0.00001; gnomAD 0.00001; ExAC 0.00003.
gnomAD v4.1: 17 of 1,614,124 alleles (0.0011%); highest among the groups gnomAD compares: Non-Finnish European, 0.0014%; no homozygotes.

Submissions (3):

Ambry Genetics
Classification: Likely benign for Inborn genetic diseases. Last evaluated: 2025-04-08. Review status: criteria provided, single submitter. Criteria: Ambry Variant Classification Scheme 2023. Collection method: clinical testing. Allele origin: germline.

Labcorp Genetics (formerly Invitae), Labcorp
Classification: Likely benign. Last evaluated: 2025-03-31. Review status: criteria provided, single submitter. Criteria: Invitae Variant Classification Sherloc (09022015). Collection method: clinical testing. Allele origin: germline.

PreventionGenetics, part of Exact Sciences
Classification: Uncertain significance for KMT2C-related condition. Last evaluated: 2024-01-22. Review status: no assertion criteria provided. Collection method: clinical testing. Allele origin: germline. Not counted in ClinVar's aggregate classification.
Comment: The KMT2C c.11225G>C variant is predicted to result in the amino acid substitution p.Ser3742Thr. To our knowledge, this variant has not been reported in the literature. This variant is reported in 0.0039% of alleles in individuals of European (Non-Finnish) descent in gnomAD. At this time, the clinical significance of this variant is uncertain due to the absence of conclusive functional and genetic evidence.